The following is an entry in ClinVar:

NM_001365999.1(SZT2):c.535C>T (p.Arg179Trp)

Gene: SZT2 (SZT2 subunit of KICSTOR complex; plus strand). Cytogenetic location: 1p34.2.
Variant type: single nucleotide variant.
Coding change: c.535C>T on transcript NM_001365999.1 (MANE Select); coding-DNA position 535, C replaced by T.
Protein change: p.Arg179Trp; replaces arginine 179 with tryptophan.
Molecular consequence: missense variant.
Genome position (GRCh38, 1-based): chr1:43,415,118, C>T. VCF-style: chr1-43415118-C-T. GRCh37 (hg19) VCF-style: chr1-43880789-C-T.
Other names: c.535C>T, p.Arg179Trp (NM_015284.4); short protein forms R179W.
Identifiers: ClinVar variation 1501460 (VCV001501460.4), dbSNP rs747536914, ClinGen allele CA808211.

ClinVar aggregate classification (germline): Uncertain significance (1 of 4 stars; one submission).

Allele frequency attached by ClinVar (database versions not stated): ExAC 0.00001; gnomAD exomes 0.00001 and 0.00002; TOPMed 0.00001; gnomAD 0.00002.

Submission:

Labcorp Genetics (formerly Invitae), Labcorp
Classification: Uncertain significance. Last evaluated: 2022-08-23. Review status: criteria provided, single submitter. Criteria: Invitae Variant Classification Sherloc (09022015). Collection method: clinical testing. Allele origin: germline.
Comment: In summary, the available evidence is currently insufficient to determine the role of this variant in disease. Therefore, it has been classified as a Variant of Uncertain Significance. Algorithms developed to predict the effect of missense changes on protein structure and function output the following: SIFT: "Deleterious"; PolyPhen-2: "Benign"; Align-GVGD: "Class C0". The tryptophan amino acid residue is found in multiple mammalian species, which suggests that this missense change does not adversely affect protein function. ClinVar contains an entry for this variant (Variation ID: 1501460). This variant has not been reported in the literature in individuals affected with SZT2-related conditions. This variant is present in population databases (rs747536914, gnomAD 0.009%). This sequence change replaces arginine, which is basic and polar, with tryptophan, which is neutral and slightly polar, at codon 179 of the SZT2 protein (p.Arg179Trp).